The following is an entry in ClinVar:

NM_016343.4(CENPF):c.1831G>T (p.Glu611Ter)

Gene: CENPF (centromere protein F; plus strand). Cytogenetic location: 1q41.
Variant type: single nucleotide variant.
Coding change: c.1831G>T on transcript NM_016343.4 (MANE Select); coding-DNA position 1831, G replaced by T.
Protein change: p.Glu611Ter; replaces glutamic acid 611 with a stop codon.
Molecular consequence: nonsense.
Genome position (GRCh38, 1-based): chr1:214,640,169, G>T. VCF-style: chr1-214640169-G-T. GRCh37 (hg19) VCF-style: chr1-214813512-G-T.
Other names: short protein forms E611*.
Identifiers: ClinVar variation 5005705 (VCV005005705.2).
Genomic context (GRCh38, chr1:214,640,169, plus strand): 5'-ACAGAGAAAGAGTCCAAAGCCTTGCTGAGTGCTTTAGAGTTAAAAAAGAAAGAATATGAA[G>T]AATTGAAAGAAGAGAAAACTCTGTTTTCTTGTTGGAAAAGTGAAAACGAAAAACTTTTAA-3'

ClinVar aggregate classification (germline): Likely pathogenic (1 of 4 stars; one submission).

Conditions:
Stromme syndrome (STROMS). Also called: APPLE PEEL SYNDROME WITH MICROCEPHALY AND OCULAR ANOMALIES; Strømme Syndrome; Ciliary dyskinesia, primary, 31. Identifiers: Orphanet 444069, Orphanet 506307, MedGen C1855705, MONDO:0009477, OMIM 243605.

Submission:

Juno Genomics, Hangzhou Juno Genomics, Inc
Classification: Likely pathogenic for Stromme syndrome. Review status: criteria provided, single submitter. Criteria: ACMG Guidelines, 2015. Collection method: clinical testing. Allele origin: germline.
Comment: Null variant in a gene where loss of function (LOF) is a known mechanism of disease.;Absent from controls (or at extremely low frequency if recessive) in Genome Aggregation Database.